The following is an entry in ClinVar:

NM_001006658.3(CR2):c.2518C>T (p.Arg840Ter)

Gene: CR2 (complement C3d receptor 2; plus strand). Cytogenetic location: 1q32.2.
Variant type: single nucleotide variant.
Coding change: c.2518C>T on transcript NM_001006658.3 (MANE Select); coding-DNA position 2518, C replaced by T.
Protein change: p.Arg840Ter; replaces arginine 840 with a stop codon.
Molecular consequence: nonsense.
Genome position (GRCh38, 1-based): chr1:207,475,018, C>T. VCF-style: chr1-207475018-C-T. GRCh37 (hg19) VCF-style: chr1-207648363-C-T.
Other names: c.2341C>T, p.Arg781Ter (NM_001877.5); short protein forms R781*, R840*.
Identifiers: ClinVar variation 1021348 (VCV001021348.7), dbSNP rs766671758, ClinGen allele CA1368991.

ClinVar aggregate classification (germline): Pathogenic/Likely pathogenic. Review status: criteria provided, multiple submitters, no conflicts (2 of 4 stars). 2 submissions from 2 submitters: Pathogenic (1); Likely pathogenic (1). Last evaluated 2025-05-28.

Conditions:
Immunodeficiency, common variable, 7. Identifiers: Orphanet 1572, Orphanet 696894, MedGen C3542922, MONDO:0013862, OMIM 614699.

Allele frequency attached by ClinVar (database versions not stated): ExAC 0.00002; TOPMed 0.00002.
gnomAD v4.1: 20 of 1,613,982 alleles (0.0012%); highest among the groups gnomAD compares: Middle Eastern, 0.016%; no homozygotes.

Submissions (2):

First Genomix Gene Laboratory, Genetic Diagnostics Department
Classification: Likely pathogenic for Immunodeficiency, common variable, 7. Last evaluated: 2025-05-28. Review status: criteria provided, single submitter. Criteria: ACMG Guidelines, 2015. Collection method: clinical testing. Allele origin: germline. Inheritance: Autosomal recessive inheritance. Affected: no. Observed: 1 variant allele.

Labcorp Genetics (formerly Invitae), Labcorp
Classification: Pathogenic for Immunodeficiency, common variable, 7. Last evaluated: 2024-08-04. Review status: criteria provided, single submitter. Criteria: Invitae Variant Classification Sherloc (09022015). Collection method: clinical testing. Allele origin: germline.
Comment: This sequence change creates a premature translational stop signal (p.Arg840*) in the CR2 gene. It is expected to result in an absent or disrupted protein product. Loss-of-function variants in CR2 are known to be pathogenic (PMID: 26325596, 28499783). This variant is present in population databases (rs766671758, gnomAD 0.004%). This variant has not been reported in the literature in individuals affected with CR2-related conditions. ClinVar contains an entry for this variant (Variation ID: 1021348). For these reasons, this variant has been classified as Pathogenic.

Literature cited by the submitters: PubMed 26325596 (cited by Labcorp Genetics (formerly Invitae), Labcorp); PubMed 28499783 (cited by Labcorp Genetics (formerly Invitae), Labcorp).